The following is an entry in ClinVar:

ClinVar aggregate classification (germline): Uncertain significance. Review status: criteria provided, multiple submitters, no conflicts (2 of 4 stars). 2 submissions from 2 submitters: Uncertain significance (2). Last evaluated 2024-10-23.

Conditions:
ABCB11-related disorder. Also called: ABCB11-related condition.

Submissions (2):

GeneDx
Classification: Uncertain significance. Last evaluated: 2024-10-23. Review status: criteria provided, single submitter. Criteria: GeneDx Variant Classification Process June 2021. Collection method: clinical testing. Allele origin: germline. Affected: yes.
Comment: Not observed at significant frequency in large population cohorts (gnomAD); In silico analysis indicates that this missense variant does not alter protein structure/function; Has not been previously published as pathogenic or benign to our knowledge

PreventionGenetics, part of Exact Sciences
Classification: Uncertain significance for ABCB11-related condition. Last evaluated: 2024-10-16. Review status: criteria provided, single submitter. Criteria: ACMG Guidelines, 2015. Collection method: clinical testing. Allele origin: germline.
Comment: The ABCB11 c.554T>A variant is predicted to result in the amino acid substitution p.Met185Lys. To our knowledge, this variant has not been reported in the literature or in a large population database (gnomAD), indicating this variant is rare. An alternative missense variant at the same amino acid position (p.Met185Ile) has been reported in an individual with cholestasis, in trans with a second variant (Wang et al. 2016. PubMed ID: 27050426; Li et al. 2020. PubMed ID: 32808743). At this time, the clinical significance of this variant is uncertain due to the absence of conclusive functional and genetic evidence.

NM_003742.4(ABCB11):c.554T>A (p.Met185Lys)

Gene: ABCB11 (ATP binding cassette subfamily B member 11; minus strand). Cytogenetic location: 2q31.1.
Variant type: single nucleotide variant.
Coding change: c.554T>A on transcript NM_003742.4 (MANE Select); coding-DNA position 554, T replaced by A.
Protein change: p.Met185Lys; replaces methionine 185 with lysine.
Molecular consequence: missense variant.
Genome position (GRCh38, 1-based): chr2:168,995,406, A>T on the plus strand (T>A on the coding strand, the complement: ABCB11 is on the minus strand). VCF-style: chr2-168995406-A-T. GRCh37 (hg19) VCF-style: chr2-169851916-A-T.
Other names: short protein forms M185K.
Identifiers: ClinVar variation 3893575 (VCV003893575.2).